The following is an entry in ClinVar:

NM_182931.3(KMT2E):c.3488del (p.Arg1163fs)

Gene: KMT2E (lysine methyltransferase 2E (inactive); plus strand). Cytogenetic location: 7q22.3.
Variant type: Deletion.
Coding change: c.3488del on transcript NM_182931.3 (MANE Select); coding-DNA position 3488, one base deleted (G; older notation c.3488delG).
Protein change: p.Arg1163fs; shifts the reading frame from arginine 1163.
Molecular consequence: frameshift variant.
Genome position (GRCh38, 1-based): chr7:105,108,961, G deleted. VCF-style (leftmost placement, unchanged base first): chr7-105108960-CG-C. GRCh37 (hg19) VCF-style: chr7-104749407-CG-C.
Other names: c.3488del, p.Arg1163fs (NM_001410908.1, NM_018682.4); short protein forms R1163fs.
Identifiers: ClinVar variation 3865155 (VCV003865155.1).
Genomic context (GRCh38, chr7:105,108,960, plus strand): 5'-CAAGAATAAAAGATTTGCTTTTTCTCATCTTTCTTGCTTAAGGTTTCTCTATTAGAATAC[CG>C]TAAGAGACAACGTGAAGCTAGGAAAAGTGGCTCTAAGACAGAGAACTTTCCACTCATTAG-3'

ClinVar aggregate classification (germline): Pathogenic (1 of 4 stars; one submission).

Conditions:
Inborn genetic diseases. Identifiers: MedGen C0950123, MeSH D030342.

Submission:

Ambry Genetics
Classification: Pathogenic for Inborn genetic diseases. Last evaluated: 2024-12-13. Review status: criteria provided, single submitter. Criteria: Ambry Variant Classification Scheme 2023. Collection method: clinical testing. Allele origin: germline.
Comment: The c.3488delG (p.R1163Lfs*30) alteration, located in exon 23 (coding exon 21) of the KMT2E gene, consists of a deletion of one nucleotide at position 3488, causing a translational frameshift with a predicted alternate stop codon after 30 amino acids. This alteration is expected to result in loss of function by premature protein truncation or nonsense-mediated mRNA decay. This variant was not reported in population-based cohorts in the Genome Aggregation Database (gnomAD). Based on the available evidence, this alteration is classified as pathogenic.